The following is an entry in ClinVar:

NM_001291867.2(NHS):c.4031T>G (p.Phe1344Cys)

Gene: NHS (NHS actin remodeling regulator; plus strand). Cytogenetic location: Xp22.13.
Variant type: single nucleotide variant.
Coding change: c.4031T>G on transcript NM_001291867.2 (MANE Select); coding-DNA position 4031, T replaced by G.
Protein change: p.Phe1344Cys; replaces phenylalanine 1344 with cysteine.
Molecular consequence: missense variant.
Genome position (GRCh38, 1-based): chrX:17,728,137, T>G. VCF-style: chrX-17728137-T-G. GRCh37 (hg19) VCF-style: chrX-17746257-T-G.
Other names: c.3500T>G, p.Phe1167Cys (NM_001136024.4); c.3437T>G, p.Phe1146Cys (NM_001291868.2); c.3968T>G, p.Phe1323Cys (NM_198270.4); short protein forms F1167C, F1323C, F1146C, F1344C.
Identifiers: ClinVar variation 2810629 (VCV002810629.3), dbSNP rs2519942212, ClinGen allele CA412367115.

ClinVar aggregate classification (germline): Uncertain significance (1 of 4 stars; one submission).

Conditions:
Nance-Horan syndrome (NHS). Identifiers: Orphanet 627, MedGen C0796085, MONDO:0010545, OMIM 302350.

Allele frequency attached by ClinVar (database versions not stated): gnomAD exomes below 0.00001.
gnomAD v4.1: 2 of 1,211,633 alleles (0.00017%); highest among the groups gnomAD compares: Non-Finnish European, 0.00011%; no homozygotes.

Submission:

Labcorp Genetics (formerly Invitae), Labcorp
Classification: Uncertain significance for Nance-Horan syndrome. Last evaluated: 2023-12-07. Review status: criteria provided, single submitter. Criteria: Invitae Variant Classification Sherloc (09022015). Collection method: clinical testing. Allele origin: germline.
Comment: This sequence change replaces phenylalanine, which is neutral and non-polar, with cysteine, which is neutral and slightly polar, at codon 1323 of the NHS protein (p.Phe1323Cys). This variant is not present in population databases (gnomAD no frequency). This variant has not been reported in the literature in individuals affected with NHS-related conditions. Advanced modeling of protein sequence and biophysical properties (such as structural, functional, and spatial information, amino acid conservation, physicochemical variation, residue mobility, and thermodynamic stability) performed at Invitae indicates that this missense variant is not expected to disrupt NHS protein function with a negative predictive value of 80%. In summary, the available evidence is currently insufficient to determine the role of this variant in disease. Therefore, it has been classified as a Variant of Uncertain Significance.